The following is an entry in ClinVar:

NM_014855.3(AP5Z1):c.2053C>T (p.Arg685Cys)

Gene: AP5Z1 (adaptor related protein complex 5 subunit zeta 1; plus strand). Cytogenetic location: 7p22.1.
Variant type: single nucleotide variant.
Coding change: c.2053C>T on transcript NM_014855.3 (MANE Select); coding-DNA position 2053, C replaced by T.
Protein change: p.Arg685Cys; replaces arginine 685 with cysteine.
Molecular consequence: missense variant. On other transcripts: non-coding transcript variant (1).
Genome position (GRCh38, 1-based): chr7:4,790,787, C>T. VCF-style: chr7-4790787-C-T. GRCh37 (hg19) VCF-style: chr7-4830418-C-T.
Other names: c.2053C>T, p.Arg685Cys (LRG_1247t1); c.1585C>T, p.Arg529Cys (NM_001364858.1); short protein forms R685C, R529C.
Identifiers: ClinVar variation 424688 (VCV000424688.40), dbSNP rs367867460, ClinGen allele CA4138277.

ClinVar aggregate classification (germline): Uncertain significance. Review status: criteria provided, multiple submitters, no conflicts (2 of 4 stars). 6 submissions from 6 submitters: Uncertain significance (6). Last evaluated 2022-11-01.

Conditions:
Hereditary spastic paraplegia 48. Also called: SPASTIC PARAPLEGIA 48, AUTOSOMAL RECESSIVE; Spastic paraplegia 48. Identifiers: Orphanet 306511, MedGen C3150901, MONDO:0013342, OMIM 613647.
Hereditary spastic paraplegia. Also called: Familial spastic paraparesis. Identifiers: Orphanet 685, MedGen C0037773, MONDO:0019064. Disease mechanism: loss of function.

Allele frequency attached by ClinVar (database versions not stated): ESP Exome Variant Server 0.00008; gnomAD exomes 0.00013 and 0.00015; gnomAD 0.00015 and 0.00017; TOPMed 0.00018; ExAC 0.00021.

Submissions (6):

CeGaT Center for Human Genetics Tuebingen
Classification: Uncertain significance. Last evaluated: 2022-11-01. Review status: criteria provided, single submitter. Criteria: CeGaT Center For Human Genetics Tuebingen Variant Classification Criteria Version 2. Collection method: clinical testing. Allele origin: germline. Affected: yes. Observed: 1 variant allele.

Baylor Genetics
Classification: Uncertain significance for Hereditary spastic paraplegia 48. Last evaluated: 2022-10-10. Review status: criteria provided, single submitter. Criteria: ACMG Guidelines, 2015. Collection method: clinical testing. Allele origin: unknown.

Labcorp Genetics (formerly Invitae), Labcorp
Classification: Uncertain significance for Hereditary spastic paraplegia 48. Last evaluated: 2022-08-31. Review status: criteria provided, single submitter. Criteria: Invitae Variant Classification Sherloc (09022015). Collection method: clinical testing. Allele origin: germline.
Comment: This sequence change replaces arginine, which is basic and polar, with cysteine, which is neutral and slightly polar, at codon 685 of the AP5Z1 protein (p.Arg685Cys). This variant is present in population databases (rs367867460, gnomAD 0.05%). This missense change has been observed in individual(s) with clinical features of spastic paraplegia (PMID: 28832565). ClinVar contains an entry for this variant (Variation ID: 424688). Algorithms developed to predict the effect of missense changes on protein structure and function are either unavailable or do not agree on the potential impact of this missense change (SIFT: "Deleterious"; PolyPhen-2: "Probably Damaging"; Align-GVGD: "Class C0"). In summary, the available evidence is currently insufficient to determine the role of this variant in disease. Therefore, it has been classified as a Variant of Uncertain Significance.

Athena Diagnostics
Classification: Uncertain significance. Last evaluated: 2018-01-03. Review status: criteria provided, single submitter. Criteria: Athena Diagnostics Criteria. Collection method: clinical testing. Allele origin: germline.

Genome Diagnostics Laboratory, The Hospital for Sick Children
Classification: Uncertain significance for Hereditary spastic paraplegia. Last evaluated: 2017-04-12. Review status: criteria provided, single submitter. Criteria: ACMG Guidelines, 2015. Collection method: clinical testing. Allele origin: germline. Affected: yes.

Unit for Genetic & Epidemiological Research on Neurological Disorders, Instituto de Investigação e Inovação em Saúde
Classification: Uncertain significance for Hereditary spastic paraplegia. Last evaluated: 2017-03-07. Review status: criteria provided, single submitter. Criteria: Morais et al. (Eur J Hum Genet. 2017). Collection method: research. Allele origin: inherited. Affected: yes.

Literature cited by the submitters: PubMed 28832565 (cited by Labcorp Genetics (formerly Invitae), Labcorp and Athena Diagnostics).